The following is an entry in ClinVar:

ClinVar aggregate classification (germline): Uncertain significance. Review status: criteria provided, multiple submitters, no conflicts (2 of 4 stars). 3 submissions from 3 submitters: Uncertain significance (3). Last evaluated 2024-10-09.

Conditions:
Ataxia-telangiectasia-like disorder (ATLD). Identifiers: MedGen C1858391, MONDO:0011457.
Hereditary cancer-predisposing syndrome. Also called: Hereditary neoplastic syndrome; Neoplastic Syndromes, Hereditary; Tumor predisposition; Hereditary Cancer Syndrome. Identifiers: Orphanet 140162, MedGen C0027672, MeSH D009386, MONDO:0015356.

Allele frequency attached by ClinVar (database versions not stated): TOPMed below 0.00001; gnomAD 0.00001.
gnomAD v4.1: 1 of 1,613,270 alleles (0.000062%); highest among the groups gnomAD compares: African/African-American, 0.0013%; no homozygotes.

Submissions (3):

Quest Diagnostics Nichols Institute San Juan Capistrano
Classification: Uncertain significance. Last evaluated: 2024-10-09. Review status: criteria provided, single submitter. Criteria: Quest Diagnostics criteria. Collection method: clinical testing. Allele origin: unknown.
Comment: The MRE11 c.1024G>A (p.Glu342Lys) variant has not been reported in individuals with MRE11-related conditions in the published literature. The frequency of this variant in the general population, 0.0000066 (1/152132 chromosomes (Genome Aggregation Database)), is uninformative in the assessment of its pathogenicity. Analysis of this variant using bioinformatics tools for the prediction of the effect of amino acid changes on protein structure and function yielded predictions that this variant is benign. Based on the available information, we are unable to determine the clinical significance of this variant.

Labcorp Genetics (formerly Invitae), Labcorp
Classification: Uncertain significance for Ataxia-telangiectasia-like disorder. Last evaluated: 2022-09-02. Review status: criteria provided, single submitter. Criteria: Invitae Variant Classification Sherloc (09022015). Collection method: clinical testing. Allele origin: germline.
Comment: This sequence change replaces glutamic acid, which is acidic and polar, with lysine, which is basic and polar, at codon 342 of the MRE11 protein (p.Glu342Lys). The frequency data for this variant in the population databases is considered unreliable, as metrics indicate poor data quality at this position in the gnomAD database. This variant has not been reported in the literature in individuals affected with MRE11-related conditions. ClinVar contains an entry for this variant (Variation ID: 185179). Algorithms developed to predict the effect of missense changes on protein structure and function (SIFT, PolyPhen-2, Align-GVGD) all suggest that this variant is likely to be tolerated. Algorithms developed to predict the effect of sequence changes on RNA splicing suggest that this variant may disrupt the consensus splice site. In summary, the available evidence is currently insufficient to determine the role of this variant in disease. Therefore, it has been classified as a Variant of Uncertain Significance.

Ambry Genetics
Classification: Uncertain significance for Hereditary cancer-predisposing syndrome. Last evaluated: 2014-06-12. Review status: criteria provided, single submitter. Criteria: Ambry Autosomal Dominant and X-Linked criteria (10/2015). Collection method: clinical testing. Allele origin: germline. Observed: 1 variant allele.
Comment: The p.E342K variant (also known as c.1024G>A), located in coding exon 9 of the MRE11A gene, results from a G to A substitution at nucleotide position 1024. The glutamic acid at codon 342 is replaced by lysine, an amino acid with similar properties. This variant was not reported in population based cohorts in the following databases: Database of Single Nucleotide Polymorphisms (dbSNP), NHLBI Exome Sequencing Project (ESP), and 1000 Genomes Project. In the ESP, this variant was not observed in 6499 samples (12998 alleles) with coverage at this position. To date, this alteration has been detected with an allele frequency of approximately 0.006% (greater than 15000 alleles tested) in our clinical cohort (includes this individual). This amino acid position is not well conserved in available vertebrate species. In addition, this alteration is predicted to be benign and tolerated by PolyPhen and SIFT in silico analyses, respectively. Since supporting evidence is limited at this time, the clinical significance of p.E342K remains unclear.

NM_005591.4(MRE11):c.1024G>A (p.Glu342Lys)

Gene: MRE11 (MRE11 double strand break repair nuclease; minus strand). Cytogenetic location: 11q21.
Variant type: single nucleotide variant.
Coding change: c.1024G>A on transcript NM_005591.4 (MANE Select); coding-DNA position 1024, G replaced by A.
Protein change: p.Glu342Lys; replaces glutamic acid 342 with lysine.
Molecular consequence: missense variant.
Genome position (GRCh38, 1-based): chr11:94,467,887, C>T on the plus strand (G>A on the coding strand, the complement: MRE11 is on the minus strand). VCF-style: chr11-94467887-C-T. GRCh37 (hg19) VCF-style: chr11-94201053-C-T.
Other names: c.1024G>A, p.Glu342Lys (NM_001330347.2, NM_005590.4); short protein forms E342K.
Identifiers: ClinVar variation 185179 (VCV000185179.6), dbSNP rs786201985, ClinGen allele CA191243.